The following is an entry in ClinVar:

ClinVar aggregate classification (germline): Benign. Review status: criteria provided, multiple submitters, no conflicts (2 of 4 stars). 7 submissions from 7 submitters: Benign (6). 1 of the submissions does not count toward it. Last evaluated 2026-02-04.

Conditions:
Primary hyperoxaluria, type I (HP1). Also called: GLYCOLIC ACIDURIA; HEPATIC AGT DEFICIENCY; Primary hyperoxaluria type 1; OXALOSIS I. Identifiers: Orphanet 416, Orphanet 93598, MedGen C0268164, MONDO:0009823, OMIM 259900. Disease mechanism: loss of function.

Allele frequency attached by ClinVar (database versions not stated): 1000 Genomes Project 30x 0.12883.
gnomAD v4.1: 303,528 of 1,609,108 alleles (19%); highest among the groups gnomAD compares: Non-Finnish European, 21%; 30,255 homozygotes.

Submissions (7):

Labcorp Genetics (formerly Invitae), Labcorp
Classification: Benign. Last evaluated: 2026-02-04. Review status: criteria provided, single submitter. Criteria: Invitae Variant Classification Sherloc (09022015). Collection method: clinical testing. Allele origin: germline.

Blueprint Genetics
Classification: Benign. Last evaluated: 2024-11-26. Review status: criteria provided, single submitter. Criteria: ACMG Guidelines, 2015. Collection method: clinical testing. Allele origin: germline.

GeneDx
Classification: Benign. Last evaluated: 2018-08-07. Review status: criteria provided, single submitter. Criteria: GeneDx Variant Classification Process June 2021. Collection method: clinical testing. Allele origin: germline. Affected: yes.

Women's Health and Genetics/Laboratory Corporation of America, LabCorp
Classification: Benign. Last evaluated: 2017-06-26. Review status: criteria provided, single submitter. Criteria: LabCorp Variant Classification Summary - May 2015. Collection method: clinical testing. Allele origin: germline.
Comment: Variant summary: The AGXT c.165+16A>G variant involves the alteration of a non-conserved intronic nucleotide at a position not widely known to affect splicing. Mutation taster predicts a benign outcome for this variant. 5/5 splice prediction tools predict no significant impact on normal splicing. This variant was found in 19192/117856 control chromosomes (1649 homozygotes) from ExAC at a frequency of 0.1628428, which is approximately 69 times the estimated maximal expected allele frequency of a pathogenic AGXT variant (0.0023717), thus this variant is a common benign polymorphism. This variant, as a part of a haplotype, has been reported in patients with primary hyperoxaluria type 1 in whom another pathogenic variant (p.Ile244Thr) in homozygosity explained the phenotype, further supporting the benign nature (Kanoun_2013). One clinical diagnostic laboratory (via ClinVar) has classified it as benign. Taken together, this variant is classified as benign.

Breakthrough Genomics
Classification: Benign. Review status: criteria provided, single submitter. Criteria: ACMG Guidelines, 2015. Collection method: not provided. Allele origin: germline. Inheritance: Autosomal recessive inheritance. Affected: yes.

PreventionGenetics, part of Exact Sciences
Classification: Benign. Review status: criteria provided, single submitter. Criteria: ACMG Guidelines, 2015. Collection method: clinical testing. Allele origin: germline.

Clinical Biochemistry Laboratory, Health Services Laboratory
Classification: Uncertain significance for Primary hyperoxaluria, type I. Last evaluated: 2014-11-27. Review status: no assertion criteria provided. Collection method: research. Allele origin: germline. Affected: yes. Not counted in ClinVar's aggregate classification.

Literature cited by the submitters: PubMed 19479957 (cited by Clinical Biochemistry Laboratory, Health Services Laboratory).

NM_000030.3(AGXT):c.165+16A>G

Gene: AGXT (alanine--glyoxylate aminotransferase; plus strand). Cytogenetic location: 2q37.3.
Variant type: single nucleotide variant.
Coding change: c.165+16A>G on transcript NM_000030.3 (MANE Select); 16 bases into the intron after coding-DNA position 165, A replaced by G.
Molecular consequence: intron variant.
Genome position (GRCh38, 1-based): chr2:240,869,046, A>G. VCF-style: chr2-240869046-A-G. GRCh37 (hg19) VCF-style: chr2-241808463-A-G.
Identifiers: ClinVar variation 204021 (VCV000204021.14), dbSNP rs66494441, ClinGen allele CA275554.
Genomic context (GRCh38, chr2:240,869,046, plus strand): 5'-GGGGGGCTGCAGATGATCGGGTCCATGAGCAAGGATATGTACCAGGTAGGAGTGGGGGTC[A>G]CTCGGGGGGCCTGGGTCTCACCCATGTTCCCACCCACAGATCGTGGACGAGGGAAGGGGG-3'